The following is an entry in ClinVar:

ClinVar aggregate classification (germline): Uncertain significance (1 of 4 stars; one submission).

Allele frequency attached by ClinVar (database versions not stated): gnomAD exomes below 0.00001; TOPMed below 0.00001.
gnomAD v4.1: 5 of 1,610,454 alleles (0.00031%); highest among the groups gnomAD compares: African/African-American, 0.0013%; no homozygotes.

Submission:

Labcorp Genetics (formerly Invitae), Labcorp
Classification: Uncertain significance. Last evaluated: 2022-07-09. Review status: criteria provided, single submitter. Criteria: Invitae Variant Classification Sherloc (09022015). Collection method: clinical testing. Allele origin: germline.
Comment: This sequence change replaces arginine, which is basic and polar, with glutamine, which is neutral and polar, at codon 675 of the KIF2A protein (p.Arg675Gln). This variant is not present in population databases (gnomAD no frequency). This variant has not been reported in the literature in individuals affected with KIF2A-related conditions. Algorithms developed to predict the effect of missense changes on protein structure and function are either unavailable or do not agree on the potential impact of this missense change (SIFT: "Tolerated"; PolyPhen-2: "Possibly Damaging"; Align-GVGD: "Class C0"). In summary, the available evidence is currently insufficient to determine the role of this variant in disease. Therefore, it has been classified as a Variant of Uncertain Significance.

NM_001098511.3(KIF2A):c.2024G>A (p.Arg675Gln)

Gene: KIF2A (kinesin family member 2A; plus strand). Cytogenetic location: 5q12.1.
Variant type: single nucleotide variant.
Coding change: c.2024G>A on transcript NM_001098511.3 (MANE Select); coding-DNA position 2024, G replaced by A.
Protein change: p.Arg675Gln; replaces arginine 675 with glutamine.
Molecular consequence: missense variant.
Genome position (GRCh38, 1-based): chr5:62,381,128, G>A. VCF-style: chr5-62381128-G-A. GRCh37 (hg19) VCF-style: chr5-61676955-G-A.
Other names: c.1829G>A, p.Arg610Gln (NM_001243952.2); c.1853G>A, p.Arg618Gln (NM_001243953.2); c.1910G>A, p.Arg637Gln (NM_004520.5); short protein forms R610Q, R618Q, R637Q, R675Q.
Identifiers: ClinVar variation 1935954 (VCV001935954.5), dbSNP rs1195921358, ClinGen allele CA359821998.